The following is an entry in ClinVar:

NM_004364.5(CEBPA):c.673C>T (p.Pro225Ser)

Gene: CEBPA (CCAAT enhancer binding protein alpha; minus strand). Cytogenetic location: 19q13.11.
Variant type: single nucleotide variant.
Coding change: c.673C>T on transcript NM_004364.5 (MANE Select); coding-DNA position 673, C replaced by T.
Protein change: p.Pro225Ser; replaces proline 225 with serine.
Molecular consequence: missense variant.
Genome position (GRCh38, 1-based): chr19:33,301,742, G>A on the plus strand (C>T on the coding strand, the complement: CEBPA is on the minus strand). VCF-style: chr19-33301742-G-A. GRCh37 (hg19) VCF-style: chr19-33792648-G-A.
Other names: c.316C>T, p.Pro106Ser (NM_001285829.2); c.778C>T, p.Pro260Ser (NM_001287424.2); c.631C>T, p.Pro211Ser (NM_001287435.2); short protein forms P211S, P260S, P106S, P225S.
Identifiers: ClinVar variation 4611512 (VCV004611512.1).

ClinVar aggregate classification (germline): Uncertain significance (1 of 4 stars; one submission).

Conditions:
Inborn genetic diseases. Identifiers: MedGen C0950123, MeSH D030342.

Submission:

Ambry Genetics
Classification: Uncertain significance for Inborn genetic diseases. Last evaluated: 2025-11-29. Review status: criteria provided, single submitter. Criteria: Ambry Variant Classification Scheme 2023. Collection method: clinical testing. Allele origin: germline.
Comment: The p.P225S variant (also known as c.673C>T), located in coding exon 1 of the CEBPA gene, results from a C to T substitution at nucleotide position 673. The proline at codon 225 is replaced by serine, an amino acid with similar properties. This amino acid position is conserved. In addition, this alteration is predicted to be tolerated by in silico analysis. Based on the available evidence, the clinical significance of this variant remains unclear.